The following is an entry in ClinVar:

ClinVar aggregate classification (germline): Pathogenic/Likely pathogenic. Review status: criteria provided, multiple submitters, no conflicts (2 of 4 stars). 2 submissions from 2 submitters: Pathogenic (1); Likely pathogenic (1). Last evaluated 2025-09-02.

Conditions:
Neurodevelopmental disorder with hypotonia, stereotypic hand movements, and impaired language. Also called: Intellectual disability, autosomal dominant 20. Identifiers: Orphanet 228384, Orphanet 664410, MedGen C3150700, MONDO:0013266, OMIM 613443.

Submissions (2):

Labcorp Genetics (formerly Invitae), Labcorp
Classification: Likely pathogenic for Neurodevelopmental disorder with hypotonia, stereotypic hand movements, and impaired language. Last evaluated: 2025-09-02. Review status: criteria provided, single submitter. Criteria: Invitae Variant Classification Sherloc (09022015). Collection method: clinical testing. Allele origin: germline.
Comment: This sequence change affects an acceptor splice site in intron 6 of the MEF2C gene. It is expected to disrupt RNA splicing. Variants that disrupt the donor or acceptor splice site typically lead to a loss of protein function (PMID: 16199547), and loss-of-function variants in MEF2C are known to be pathogenic (PMID: 20513142). This variant is not present in population databases (gnomAD no frequency). Disruption of this splice site has been observed in individual(s) with seizures, infantile spasms, and motor developmental delay (internal data). ClinVar contains an entry for this variant (Variation ID: 1066205). Algorithms developed to predict the effect of sequence changes on RNA splicing suggest that this variant may disrupt the consensus splice site. In summary, the currently available evidence indicates that the variant is pathogenic, but additional data are needed to prove that conclusively. Therefore, this variant has been classified as Likely Pathogenic.

GeneDx
Classification: Pathogenic. Last evaluated: 2023-04-03. Review status: criteria provided, single submitter. Criteria: GeneDx Variant Classification Process June 2021. Collection method: clinical testing. Allele origin: germline. Affected: yes.
Comment: Canonical splice site variant predicted to result in a null allele in a gene for which loss of function is a known mechanism of disease; Not observed at significant frequency in large population cohorts (gnomAD); Has not been previously published as pathogenic or benign to our knowledge

Literature cited by the submitters: PubMed 16199547 (cited by Labcorp Genetics (formerly Invitae), Labcorp); PubMed 20513142 (cited by Labcorp Genetics (formerly Invitae), Labcorp).

NM_002397.5(MEF2C):c.638-1G>A

Gene: MEF2C (myocyte enhancer factor 2C; minus strand). Cytogenetic location: 5q14.3.
Variant type: single nucleotide variant.
Coding change: c.638-1G>A on transcript NM_002397.5 (MANE Select); the canonical splice acceptor site of the intron before coding-DNA position 638, G replaced by A.
Molecular consequence: splice acceptor variant.
Genome position (GRCh38, 1-based): chr5:88,731,902, C>T on the plus strand (G>A on the coding strand, the complement: MEF2C is on the minus strand). VCF-style: chr5-88731902-C-T. GRCh37 (hg19) VCF-style: chr5-88027719-C-T.
Other names: c.638-1G>A (NM_001364329.2, NM_001364330.2, NM_001364333.2 and 18 more transcripts); c.494-1G>A (NM_001364344.2, NM_001364354.2, NM_001364332.2 and 3 more transcripts); c.260-1G>A (NM_001364353.2, NM_001364356.2); c.632-1G>A (NM_001131005.2, NM_001364352.2, NM_001364343.2); c.692-1G>A (NM_001193347.1, NM_001364338.2); c.212-1G>A (NM_001364357.2).
Identifiers: ClinVar variation 1066205 (VCV001066205.10), dbSNP rs2152281284, ClinGen allele CA360423534.
Genomic context (GRCh38, chr5:88,731,902, plus strand): 5'-TCAAGTTACCAGGTGAGACCAGCAGACCTGGTGAGTTTCGGGGATTGCCATACCCGTTCC[C>T]TGTTAACAAAAAACAATAAAGCATTTAGGAAGAAATCTAGGTCAAATACGTTTCCGAAGA-3'